The following is an entry in ClinVar:

ClinVar aggregate classification (germline): Uncertain significance (1 of 4 stars; one submission).

Conditions:
Epileptic encephalopathy. Identifiers: MedGen C0543888, HP:0200134.

Allele frequency attached by ClinVar (database versions not stated): ExAC 0.00001; gnomAD exomes 0.00001; TOPMed 0.00001; gnomAD 0.00003 and 0.00004.
gnomAD v4.1: 19 of 1,612,098 alleles (0.0012%); highest among the groups gnomAD compares: African/African-American, 0.0067%; no homozygotes.

Submission:

Labcorp Genetics (formerly Invitae), Labcorp
Classification: Uncertain significance for Epileptic encephalopathy. Last evaluated: 2022-08-31. Review status: criteria provided, single submitter. Criteria: Invitae Variant Classification Sherloc (09022015). Collection method: clinical testing. Allele origin: germline.
Comment: In summary, the available evidence is currently insufficient to determine the role of this variant in disease. Therefore, it has been classified as a Variant of Uncertain Significance. Algorithms developed to predict the effect of missense changes on protein structure and function are either unavailable or do not agree on the potential impact of this missense change (SIFT: "Deleterious"; PolyPhen-2: "Benign"; Align-GVGD: "Class C0"). ClinVar contains an entry for this variant (Variation ID: 462036). This variant has not been reported in the literature in individuals affected with FASN-related conditions. This variant is present in population databases (rs754866865, gnomAD 0.008%). This sequence change replaces arginine, which is basic and polar, with tryptophan, which is neutral and slightly polar, at codon 1171 of the FASN protein (p.Arg1171Trp).

NM_004104.5(FASN):c.3511C>T (p.Arg1171Trp)

Gene: FASN (fatty acid synthase; minus strand). Cytogenetic location: 17q25.3.
Variant type: single nucleotide variant.
Coding change: c.3511C>T on transcript NM_004104.5 (MANE Select); coding-DNA position 3511, C replaced by T.
Protein change: p.Arg1171Trp; replaces arginine 1171 with tryptophan.
Molecular consequence: missense variant.
Genome position (GRCh38, 1-based): chr17:82,086,475, G>A on the plus strand (C>T on the coding strand, the complement: FASN is on the minus strand). VCF-style: chr17-82086475-G-A. GRCh37 (hg19) VCF-style: chr17-80044351-G-A.
Other names: short protein forms R1171W.
Identifiers: ClinVar variation 462036 (VCV000462036.9), dbSNP rs754866865, ClinGen allele CA8852348.